The following is an entry in ClinVar:

ClinVar aggregate classification (germline): Uncertain significance. Review status: criteria provided, multiple submitters, no conflicts (2 of 4 stars). 10 submissions from 10 submitters: Uncertain significance (5). 5 of the submissions do not count toward it. Last evaluated 2026-04-02.

Conditions:
NR2E3-related disorder. Also called: NR2E3-related disorders; NR2E3-related condition. Identifiers: MedGen CN239387.
Inborn genetic diseases. Identifiers: MedGen C0950123, MeSH D030342.
Enhanced S-cone syndrome (ESCS). Identifiers: Orphanet 53540, MedGen C1849394, MONDO:0100288, MONDO:0009989.
Retinitis pigmentosa 37 (RP37). Identifiers: Orphanet 791, MedGen C1970163, MONDO:0012625, OMIM 611131.
Goldmann-Favre syndrome. Identifiers: Orphanet 53540, MedGen C0339541, MONDO:0100289.
Retinal dystrophy. Also called: Inherited retinal dystrophy. Identifiers: Orphanet 71862, MedGen C0854723, MeSH D058499, MONDO:0019118, HP:0000556.

Allele frequency attached by ClinVar (database versions not stated): gnomAD 0.00014 and 0.00011; gnomAD exomes 0.00014 and 0.00016; 1000 Genomes Project 0.00020; TOPMed 0.00020; ExAC 0.00024; 1000 Genomes Project 30x 0.00031.

Submissions (10):

PreventionGenetics, part of Exact Sciences
Classification: Uncertain significance for NR2E3-related condition. Last evaluated: 2026-04-02. Review status: criteria provided, single submitter. Criteria: ACMG Guidelines, 2015. Collection method: clinical testing. Allele origin: germline.
Comment: The NR2E3 c.170A>G variant is predicted to result in the amino acid substitution p.Lys57Arg. To our knowledge, this variant has not been reported in the literature. This variant is reported in 0.024% of alleles in individuals of European (Non-Finnish) descent in gnomAD. At this time, the clinical significance of this variant is uncertain due to the absence of conclusive functional and genetic evidence.

Labcorp Genetics (formerly Invitae), Labcorp
Classification: Uncertain significance. Last evaluated: 2025-01-25. Review status: criteria provided, single submitter. Criteria: Invitae Variant Classification Sherloc (09022015). Collection method: clinical testing. Allele origin: germline.
Comment: This sequence change replaces lysine, which is basic and polar, with arginine, which is basic and polar, at codon 57 of the NR2E3 protein (p.Lys57Arg). This variant is present in population databases (rs563014885, gnomAD 0.03%). This variant has not been reported in the literature in individuals affected with NR2E3-related conditions. ClinVar contains an entry for this variant (Variation ID: 558411). Invitae Evidence Modeling of protein sequence and biophysical properties (such as structural, functional, and spatial information, amino acid conservation, physicochemical variation, residue mobility, and thermodynamic stability) indicates that this missense variant is not expected to disrupt NR2E3 protein function with a negative predictive value of 80%. In summary, the available evidence is currently insufficient to determine the role of this variant in disease. Therefore, it has been classified as a Variant of Uncertain Significance.

Blueprint Genetics
Classification: Uncertain significance. Last evaluated: 2024-11-22. Review status: criteria provided, single submitter. Criteria: ACMG Guidelines, 2015. Collection method: clinical testing. Allele origin: germline.

Ambry Genetics
Classification: Uncertain significance for Inborn genetic diseases. Last evaluated: 2024-06-07. Review status: criteria provided, single submitter. Criteria: Ambry Variant Classification Scheme 2023. Collection method: clinical testing. Allele origin: germline.

CeGaT Center for Human Genetics Tuebingen
Classification: Uncertain significance. Last evaluated: 2018-04-01. Review status: criteria provided, single submitter. Criteria: CeGaT Center For Human Genetics Tuebingen Variant Classification Criteria Version 2. Collection method: clinical testing. Allele origin: germline. Affected: yes. Observed: 1 variant allele.

Institute of Human Genetics, Univ. Regensburg, Univ. Regensburg
Classification: Uncertain significance for Retinal dystrophy. Last evaluated: 2022-01-01. Review status: no assertion criteria provided. Criteria: ACMG Guidelines, 2015. Collection method: clinical testing. Allele origin: germline. Affected: yes. Not counted in ClinVar's aggregate classification.

Natera, Inc.
Classification: Uncertain significance for Goldmann-Favre syndrome. Last evaluated: 2020-09-16. Review status: no assertion criteria provided. Collection method: clinical testing. Allele origin: germline. Not counted in ClinVar's aggregate classification.

Counsyl
Classification: Uncertain significance for Retinitis pigmentosa 37; ENHANCED S-CONE SYNDROME 1. Last evaluated: 2018-05-21. Review status: no assertion criteria provided. Collection method: clinical testing. Allele origin: unknown. Not counted in ClinVar's aggregate classification.

Clinical Genetics DNA and cytogenetics Diagnostics Lab, Erasmus MC, Erasmus Medical Center
Classification: Uncertain significance. Review status: no assertion criteria provided. Collection method: clinical testing. Allele origin: germline. Affected: yes. Study: VKGL Data-share Consensus. Not counted in ClinVar's aggregate classification.

Clinical Genetics, Academic Medical Center
Classification: Uncertain significance. Review status: no assertion criteria provided. Collection method: clinical testing. Allele origin: germline. Affected: yes. Study: VKGL Data-share Consensus. Not counted in ClinVar's aggregate classification.

NM_014249.4(NR2E3):c.170A>G (p.Lys57Arg)

Gene: NR2E3 (nuclear receptor subfamily 2 group E member 3; plus strand). Cytogenetic location: 15q23.
Variant type: single nucleotide variant.
Coding change: c.170A>G on transcript NM_014249.4 (MANE Select); coding-DNA position 170, A replaced by G.
Protein change: p.Lys57Arg; replaces lysine 57 with arginine.
Molecular consequence: missense variant.
Genome position (GRCh38, 1-based): chr15:71,811,534, A>G. VCF-style: chr15-71811534-A-G. GRCh37 (hg19) VCF-style: chr15-72103874-A-G.
Other names: c.170A>G, p.Lys57Arg (NM_016346.4); short protein forms K57R.
Identifiers: ClinVar variation 558411 (VCV000558411.53), dbSNP rs563014885, ClinGen allele CA7640232.